The following is an entry in ClinVar:

ClinVar aggregate classification (germline): Likely pathogenic (1 of 4 stars; one submission).

Submission:

Dasa
Classification: Likely pathogenic. Last evaluated: 2024-10-09. Review status: criteria provided, single submitter. Criteria: DASA Assertion Criteria. Collection method: clinical testing. Allele origin: germline.
Comment: NM_001170629.2(CHD8):c.1355T>A (p.Leu452*) is a nonsense variant in CHD8 predicted to introduce a premature termination codon and is predicted to result in an absent or altered protein product. Loss of function is an established disease mechanism for CHD8 (PMID: 23160955; PMID: 24998929; PMID: 27824329). Also, this variant is absent from population databases. Based on the currently available evidence, this variant is classified as likely pathogenic.

Literature cited by the submitters: PubMed 23160955; PubMed 24998929; PubMed 27824329.

NM_001170629.2(CHD8):c.1355T>A (p.Leu452Ter)

Gene: CHD8 (chromodomain helicase DNA binding protein 8; minus strand). Cytogenetic location: 14q11.2.
Variant type: single nucleotide variant.
Coding change: c.1355T>A on transcript NM_001170629.2 (MANE Select); coding-DNA position 1355, T replaced by A.
Protein change: p.Leu452Ter; replaces leucine 452 with a stop codon.
Molecular consequence: nonsense.
Genome position (GRCh38, 1-based): chr14:21,428,115, A>T on the plus strand (T>A on the coding strand, the complement: CHD8 is on the minus strand). VCF-style: chr14-21428115-A-T. GRCh37 (hg19) VCF-style: chr14-21896274-A-T.
Other names: c.518T>A, p.Leu173Ter (NM_020920.4); short protein forms L173*, L452*.
Identifiers: ClinVar variation 4886150 (VCV004886150.2).